The following is an entry in ClinVar:

ClinVar aggregate classification (germline): Uncertain significance (1 of 4 stars; one submission).

Submission:

Labcorp Genetics (formerly Invitae), Labcorp
Classification: Uncertain significance. Last evaluated: 2022-04-09. Review status: criteria provided, single submitter. Criteria: Invitae Variant Classification Sherloc (09022015). Collection method: clinical testing. Allele origin: germline.
Comment: This sequence change replaces threonine, which is neutral and polar, with proline, which is neutral and non-polar, at codon 254 of the FAM46A protein (p.Thr254Pro). This variant is not present in population databases (gnomAD no frequency). This variant has not been reported in the literature in individuals affected with FAM46A-related conditions. Algorithms developed to predict the effect of missense changes on protein structure and function are either unavailable or do not agree on the potential impact of this missense change (SIFT: "Tolerated"; PolyPhen-2: "Possibly Damaging"; Align-GVGD: "Class C0"). In summary, the available evidence is currently insufficient to determine the role of this variant in disease. Therefore, it has been classified as a Variant of Uncertain Significance.

NM_017633.3(TENT5A):c.760A>C (p.Thr254Pro)

Gene: TENT5A (terminal nucleotidyltransferase 5A; minus strand). Cytogenetic location: 6q14.1.
Variant type: single nucleotide variant.
Coding change: c.760A>C on transcript NM_017633.3 (MANE Select); coding-DNA position 760, A replaced by C.
Protein change: p.Thr254Pro; replaces threonine 254 with proline.
Molecular consequence: missense variant.
Genome position (GRCh38, 1-based): chr6:81,750,264, T>G on the plus strand (A>C on the coding strand, the complement: TENT5A is on the minus strand). VCF-style: chr6-81750264-T-G. GRCh37 (hg19) VCF-style: chr6-82459981-T-G.
Other names: short protein forms T254P.
Identifiers: ClinVar variation 2123609 (VCV002123609.4), dbSNP rs2481778185, ClinGen allele CA365033178.